The following is an entry in ClinVar:

NM_198253.3(TERT):c.121C>T (p.Arg41Cys)

Genes: TERT (telomerase reverse transcriptase; minus strand), LOC110806263 (TERT 5' regulatory region; plus strand). Cytogenetic location: 5p15.33.
Variant type: single nucleotide variant.
Coding change: c.121C>T on transcript NM_198253.3 (MANE Select); coding-DNA position 121, C replaced by T.
Protein change: p.Arg41Cys; replaces arginine 41 with cysteine.
Molecular consequence: missense variant. On other transcripts: non-coding transcript variant (2).
Genome position (GRCh38, 1-based): chr5:1,294,869, G>A on the plus strand (C>T on the coding strand, the complement: TERT is on the minus strand). VCF-style: chr5-1294869-G-A. GRCh37 (hg19) VCF-style: chr5-1294984-G-A.
Other names: c.121C>T, p.Arg41Cys (NM_001193376.3, NM_003219.1); short protein forms R41C.
Identifiers: ClinVar variation 2933326 (VCV002933326.4), dbSNP rs2126691944, ClinGen allele CA359059198.
Genomic context (GRCh38, chr5:1,294,869, plus strand): 5'-CCCAGGGCACGCACACCAGGCACTGGGCCACCAGCGCGCGGAAAGCCGCCGGGTCCCCGC[G>A]CTGCACCAGCCGCCAGCCCTGGGGCCCCAGGCGCCGCACGAACGTGGCCAGCGGCAGCAC-3'
Protein context (NP_937983.2, residues 31-51): LGPQGWRLVQ[Arg41Cys]GDPAAFRALV

ClinVar aggregate classification (germline): Uncertain significance. Review status: criteria provided, multiple submitters, no conflicts (2 of 4 stars). 2 submissions from 2 submitters: Uncertain significance (2). Last evaluated 2025-09-02.

Conditions:
Idiopathic Pulmonary Fibrosis. Also called: Idiopathic fibrosing alveolitis, chronic form; idiopathic fibrosing alveolitis. Identifiers: Orphanet 2032, MedGen C1800706, MeSH D054990, MONDO:0800504.
Dyskeratosis congenita, autosomal dominant 2. Identifiers: MedGen C3151443, MONDO:0013521, OMIM 613989.
Dyskeratosis congenita. Identifiers: Orphanet 1775, MedGen C0265965, MONDO:0015780.

Submissions (2):

Ambry Genetics
Classification: Uncertain significance for Dyskeratosis congenita. Last evaluated: 2025-09-02. Review status: criteria provided, single submitter. Criteria: Ambry Variant Classification Scheme 2023. Collection method: clinical testing. Allele origin: germline.
Comment: The p.R41C variant (also known as c.121C>T), located in coding exon 1 of the TERT gene, results from a C to T substitution at nucleotide position 121. The arginine at codon 41 is replaced by cysteine, an amino acid with highly dissimilar properties. This amino acid position is not well conserved in available vertebrate species. In addition, the in silico prediction for this alteration is inconclusive. Based on the available evidence, the clinical significance of this variant remains unclear.

Labcorp Genetics (formerly Invitae), Labcorp
Classification: Uncertain significance for Dyskeratosis congenita, autosomal dominant 2; Idiopathic Pulmonary Fibrosis. Last evaluated: 2023-05-21. Review status: criteria provided, single submitter. Criteria: Invitae Variant Classification Sherloc (09022015). Collection method: clinical testing. Allele origin: germline.
Comment: In summary, the available evidence is currently insufficient to determine the role of this variant in disease. Therefore, it has been classified as a Variant of Uncertain Significance. Advanced modeling of protein sequence and biophysical properties (such as structural, functional, and spatial information, amino acid conservation, physicochemical variation, residue mobility, and thermodynamic stability) performed at Invitae indicates that this missense variant is expected to disrupt TERT protein function. This variant has not been reported in the literature in individuals affected with TERT-related conditions. This variant is not present in population databases (gnomAD no frequency). This sequence change replaces arginine, which is basic and polar, with cysteine, which is neutral and slightly polar, at codon 41 of the TERT protein (p.Arg41Cys).